The following is an entry in ClinVar:

ClinVar aggregate classification (germline): Likely pathogenic (1 of 4 stars; one submission).

Submission:

GeneDx
Classification: Likely pathogenic. Last evaluated: 2024-10-01. Review status: criteria provided, single submitter. Criteria: GeneDx Variant Classification Process June 2021. Collection method: clinical testing. Allele origin: germline. Affected: yes.
Comment: Not observed at significant frequency in large population cohorts (gnomAD); In silico analysis supports that this missense variant has a deleterious effect on protein structure/function; Has not been previously published as pathogenic or benign to our knowledge

NM_033163.5(FGF8):c.287T>A (p.Val96Asp)

Gene: FGF8 (fibroblast growth factor 8; minus strand). Cytogenetic location: 10q24.32.
Variant type: single nucleotide variant.
Coding change: c.287T>A on transcript NM_033163.5 (MANE Select); coding-DNA position 287, T replaced by A.
Protein change: p.Val96Asp; replaces valine 96 with aspartic acid.
Molecular consequence: missense variant. On other transcripts: 5 prime UTR variant (1).
Genome position (GRCh38, 1-based): chr10:101,774,782, A>T on the plus strand (T>A on the coding strand, the complement: FGF8 is on the minus strand). VCF-style: chr10-101774782-A-T. GRCh37 (hg19) VCF-style: chr10-103534539-A-T.
Other names: c.-26T>A (NM_001206389.2); c.200T>A, p.Val67Asp (NM_006119.6); c.254T>A, p.Val85Asp (NM_033164.4); c.167T>A, p.Val56Asp (NM_033165.5); short protein forms V96D, V56D, V67D, V85D.
Identifiers: ClinVar variation 392880 (VCV000392880.3), dbSNP rs1057524676, ClinGen allele CA16606615.